The following is an entry in ClinVar:

NM_001374828.1(ARID1B):c.4989C>T (p.Tyr1663=)

Gene: ARID1B (AT-rich interaction domain 1B; plus strand). Cytogenetic location: 6q25.3.
Variant type: single nucleotide variant.
Coding change: c.4989C>T on transcript NM_001374828.1 (MANE Select); coding-DNA position 4989, C replaced by T.
Protein change: p.Tyr1663=; no amino-acid change (tyrosine 1663 retained).
Molecular consequence: synonymous variant.
Genome position (GRCh38, 1-based): chr6:157,201,214, C>T. VCF-style: chr6-157201214-C-T. GRCh37 (hg19) VCF-style: chr6-157522348-C-T.
Other names: c.4620C>T (NM_020732.3); c.2490C>T, p.Tyr830= (NM_001363725.2); c.4869C>T, p.Tyr1623= (NM_001371656.1, NM_001374820.1); c.4830C>T, p.Tyr1610= (NM_017519.3).
Identifiers: ClinVar variation 1257085 (VCV001257085.12), dbSNP rs2068129, ClinGen allele CA4067744.

ClinVar aggregate classification (germline): Benign. Review status: criteria provided, multiple submitters, no conflicts (2 of 4 stars). 3 submissions from 3 submitters: Benign (2). 1 of the submissions does not count toward it. Last evaluated 2026-01-13.

Conditions:
ARID1B-Related Disorder. Identifiers: MedGen CN381337.

Allele frequency attached by ClinVar (database versions not stated): ESP Exome Variant Server 0.00008; gnomAD exomes 0.00010 and 0.00003; ExAC 0.00014; 1000 Genomes Project 30x 0.00016; 1000 Genomes Project 0.00020; TOPMed 0.00034; gnomAD 0.00038 and 0.00042.
gnomAD v4.1: 102 of 1,613,908 alleles (0.0063%); highest among the groups gnomAD compares: African/African-American, 0.12%; no homozygotes.

Submissions (3):

Labcorp Genetics (formerly Invitae), Labcorp
Classification: Benign. Last evaluated: 2026-01-13. Review status: criteria provided, single submitter. Criteria: Invitae Variant Classification Sherloc (09022015). Collection method: clinical testing. Allele origin: germline.

GeneDx
Classification: Benign. Last evaluated: 2020-03-25. Review status: criteria provided, single submitter. Criteria: GeneDx Variant Classification Process June 2021. Collection method: clinical testing. Allele origin: germline. Affected: yes.

PreventionGenetics, part of Exact Sciences
Classification: Likely benign for ARID1B-related condition. Last evaluated: 2023-01-12. Review status: no assertion criteria provided. Collection method: clinical testing. Allele origin: germline. Not counted in ClinVar's aggregate classification.
Comment: This variant is classified as likely benign based on ACMG/AMP sequence variant interpretation guidelines (Richards et al. 2015 PMID: 25741868, with internal and published modifications).